The following is an entry in ClinVar:

NM_080680.3(COL11A2):c.2179G>T (p.Gly727Ter)

Gene: COL11A2 (collagen type XI alpha 2 chain; minus strand). Cytogenetic location: 6p21.32.
Variant type: single nucleotide variant.
Coding change: c.2179G>T on transcript NM_080680.3 (MANE Select); coding-DNA position 2179, G replaced by T.
Protein change: p.Gly727Ter; replaces glycine 727 with a stop codon.
Molecular consequence: nonsense.
Genome position (GRCh38, 1-based): chr6:33,176,294, C>A on the plus strand (G>T on the coding strand, the complement: COL11A2 is on the minus strand). VCF-style: chr6-33176294-C-A. GRCh37 (hg19) VCF-style: chr6-33144071-C-A.
Other names: c.1858G>T, p.Gly620Ter (NM_080679.3); c.1921G>T, p.Gly641Ter (NM_080681.3); short protein forms G727*, G641*, G620*.
Identifiers: ClinVar variation 391804 (VCV000391804.5), dbSNP rs768569721, ClinGen allele CA16605528.

ClinVar aggregate classification (germline): Likely pathogenic (1 of 4 stars; one submission).

Submission:

GeneDx
Classification: Likely pathogenic. Last evaluated: 2025-06-16. Review status: criteria provided, single submitter. Criteria: GeneDx Variant Classification Process June 2021. Collection method: clinical testing. Allele origin: germline. Affected: yes.
Comment: Not observed at significant frequency in large population cohorts (gnomAD); Has not been previously published as pathogenic or benign to our knowledge; Nonsense variant predicted to result in protein truncation or nonsense mediated decay in a gene for which loss of function is a known mechanism of disease